The following is an entry in ClinVar:

ClinVar aggregate classification (germline): Uncertain significance (1 of 4 stars; one submission).

Conditions:
Cardiovascular phenotype. Identifiers: MedGen CN230736.
Hereditary cancer-predisposing syndrome. Also called: Tumor predisposition; Neoplastic Syndromes, Hereditary; Hereditary neoplastic syndrome; Hereditary Cancer Syndrome. Identifiers: Orphanet 140162, MedGen C0027672, MeSH D009386, MONDO:0015356.

Submission:

Ambry Genetics
Classification: Uncertain significance for Cardiovascular phenotype; Hereditary cancer-predisposing syndrome. Last evaluated: 2025-07-04. Review status: criteria provided, single submitter. Criteria: Ambry Variant Classification Scheme 2023. Collection method: clinical testing. Allele origin: germline.
Comment: The p.A490V variant (also known as c.1469C>T), located in coding exon 14 of the LZTR1 gene, results from a C to T substitution at nucleotide position 1469. The alanine at codon 490 is replaced by valine, an amino acid with similar properties. This amino acid position is conserved. In addition, this alteration is predicted to be tolerated by in silico analysis. Based on the available evidence, the clinical significance of this variant remains unclear.

NM_006767.4(LZTR1):c.1469C>T (p.Ala490Val)

Gene: LZTR1 (leucine zipper like post translational regulator 1; plus strand). Cytogenetic location: 22q11.21.
Variant type: single nucleotide variant.
Coding change: c.1469C>T on transcript NM_006767.4 (MANE Select); coding-DNA position 1469, C replaced by T.
Protein change: p.Ala490Val; replaces alanine 490 with valine.
Molecular consequence: missense variant.
Genome position (GRCh38, 1-based): chr22:20,994,123, C>T. VCF-style: chr22-20994123-C-T. GRCh37 (hg19) VCF-style: chr22-21348412-C-T.
Other names: short protein forms A490V.
Identifiers: ClinVar variation 4101887 (VCV004101887.1).